The following is an entry in ClinVar:

NM_006005.3(WFS1):c.2611G>C (p.Val871Leu)

Gene: WFS1 (wolframin ER transmembrane glycoprotein; plus strand). Cytogenetic location: 4p16.1.
Variant type: single nucleotide variant.
Coding change: c.2611G>C on transcript NM_006005.3 (MANE Select); coding-DNA position 2611, G replaced by C.
Protein change: p.Val871Leu; replaces valine 871 with leucine.
Molecular consequence: missense variant.
Genome position (GRCh38, 1-based): chr4:6,302,406, G>C. VCF-style: chr4-6302406-G-C. GRCh37 (hg19) VCF-style: chr4-6304133-G-C.
Other names: c.2611G>C, p.Val871Leu (NM_001145853.1); short protein forms V871L.
Identifiers: ClinVar variation 1450057 (VCV001450057.9), dbSNP rs71532874, ClinGen allele CA356179472.

ClinVar aggregate classification (germline): Uncertain significance. Review status: criteria provided, multiple submitters, no conflicts (2 of 4 stars). 2 submissions from 2 submitters: Uncertain significance (2). Last evaluated 2024-04-19.

Conditions:
Autosomal dominant nonsyndromic hearing loss 6 (LFSNHL). Also called: DEAFNESS, AUTOSOMAL DOMINANT 14; DEAFNESS, AUTOSOMAL DOMINANT 38; DEAFNESS, AUTOSOMAL DOMINANT 6; Autosomal dominant nonsyndromic deafness 6. Identifiers: Orphanet 90635, MedGen C1833021, MONDO:0010963, OMIM 600965.
Type 2 diabetes mellitus. Also called: Type II diabetes mellitus. Identifiers: MedGen C0011860, MeSH D003924, MONDO:0005148, OMIM 125853, HP:0005978.
Cataract 41 (CTRCT41). Also called: CATARACT 41, CONGENITAL NUCLEAR TYPE. Identifiers: Orphanet 91492, Orphanet 98991, Orphanet 98992, Orphanet 98995, MedGen C3805412, MONDO:0007287, OMIM 116400.
Wolfram syndrome 1 (WFS1). Identifiers: Orphanet 3463, MedGen C4551693, MONDO:0009101, OMIM 222300.
Wolfram-like syndrome. Also called: HEARING LOSS, PROGRESSIVE, WITH OPTIC ATROPHY AND/OR IMPAIRED GLUCOSE REGULATION. Identifiers: Orphanet 411590, MedGen C3280358, MONDO:0013673, OMIM 614296.

gnomAD v4.1: 3 of 1,613,008 alleles (0.00019%); highest among the groups gnomAD compares: Non-Finnish European, 0.00025%; no homozygotes.

Submissions (2):

Fulgent Genetics
Classification: Uncertain significance for Cataract 41; Type 2 diabetes mellitus; Wolfram syndrome 1; Autosomal dominant nonsyndromic hearing loss 6; Wolfram-like syndrome. Last evaluated: 2024-04-19. Review status: criteria provided, single submitter. Criteria: ACMG Guidelines, 2015. Collection method: clinical testing. Allele origin: germline.

Labcorp Genetics (formerly Invitae), Labcorp
Classification: Uncertain significance. Last evaluated: 2023-05-21. Review status: criteria provided, single submitter. Criteria: Invitae Variant Classification Sherloc (09022015). Collection method: clinical testing. Allele origin: germline.
Comment: This sequence change replaces valine, which is neutral and non-polar, with leucine, which is neutral and non-polar, at codon 871 of the WFS1 protein (p.Val871Leu). This variant is present in population databases (no rsID available, gnomAD 0.0009%). This variant has not been reported in the literature in individuals affected with WFS1-related conditions. ClinVar contains an entry for this variant (Variation ID: 1450057). Advanced modeling of protein sequence and biophysical properties (such as structural, functional, and spatial information, amino acid conservation, physicochemical variation, residue mobility, and thermodynamic stability) performed at Invitae indicates that this missense variant is not expected to disrupt WFS1 protein function. In summary, the available evidence is currently insufficient to determine the role of this variant in disease. Therefore, it has been classified as a Variant of Uncertain Significance.